The following is an entry in ClinVar:

NM_012338.4(TSPAN12):c.-277C>T

Gene: TSPAN12 (tetraspanin 12; minus strand). Cytogenetic location: 7q31.31.
Variant type: single nucleotide variant.
Coding change: c.-277C>T on transcript NM_012338.4 (MANE Select); 277 bases upstream of the start codon, C replaced by T.
Molecular consequence: 5 prime UTR variant.
Genome position (GRCh38, 1-based): chr7:120,858,026, G>A on the plus strand (C>T on the coding strand, the complement: TSPAN12 is on the minus strand). VCF-style: chr7-120858026-G-A. GRCh37 (hg19) VCF-style: chr7-120498080-G-A.
Identifiers: ClinVar variation 909385 (VCV000909385.4), dbSNP rs549451459, ClinGen allele CA165841836.

ClinVar aggregate classification (germline): Benign (1 of 4 stars; one submission).

Conditions:
Exudative vitreoretinopathy 5 (EVR5). Identifiers: Orphanet 891, MedGen C2750079, MONDO:0013218, OMIM 613310.

Allele frequency attached by ClinVar (database versions not stated): TOPMed 0.00001; 1000 Genomes Project 30x 0.00141; 1000 Genomes Project 0.00180.

Submission:

Illumina Laboratory Services, Illumina
Classification: Benign for Exudative vitreoretinopathy 5. Last evaluated: 2018-01-13. Review status: criteria provided, single submitter. Criteria: ICSL Variant Classification Criteria 13 December 2019. Collection method: clinical testing. Allele origin: germline.
Comment: This variant was observed in the ICSL laboratory as part of a predisposition screen in an ostensibly healthy population. It had not been previously curated by ICSL or reported in the Human Gene Mutation Database (HGMD: prior to June 1st, 2018), and was therefore a candidate for classification through an automated scoring system. Utilizing variant allele frequency, disease prevalence and penetrance estimates, and inheritance mode, an automated score was calculated to assess if this variant is too frequent to cause the disease. Based on the score and internal cut-off values, a variant classified as benign is not then subjected to further curation. The score for this variant resulted in a classification of benign for this disease.